The following is an entry in ClinVar:

ClinVar aggregate classification (germline): Uncertain significance (1 of 4 stars; one submission).

Submission:

Labcorp Genetics (formerly Invitae), Labcorp
Classification: Uncertain significance. Last evaluated: 2023-08-10. Review status: criteria provided, single submitter. Criteria: Invitae Variant Classification Sherloc (09022015). Collection method: clinical testing. Allele origin: germline.
Comment: This sequence change replaces histidine, which is basic and polar, with leucine, which is neutral and non-polar, at codon 494 of the CLCN4 protein (p.His494Leu). This variant is not present in population databases (gnomAD no frequency). This variant has not been reported in the literature in individuals affected with CLCN4-related conditions. ClinVar contains an entry for this variant (Variation ID: 1352792). Advanced modeling of protein sequence and biophysical properties (such as structural, functional, and spatial information, amino acid conservation, physicochemical variation, residue mobility, and thermodynamic stability) has been performed at Invitae for this missense variant, however the output from this modeling did not meet the statistical confidence thresholds required to predict the impact of this variant on CLCN4 protein function. In summary, the available evidence is currently insufficient to determine the role of this variant in disease. Therefore, it has been classified as a Variant of Uncertain Significance.

NM_001830.4(CLCN4):c.1481A>T (p.His494Leu)

Gene: CLCN4 (chloride voltage-gated channel 4; plus strand). Cytogenetic location: Xp22.2.
Variant type: single nucleotide variant.
Coding change: c.1481A>T on transcript NM_001830.4 (MANE Select); coding-DNA position 1481, A replaced by T.
Protein change: p.His494Leu; replaces histidine 494 with leucine.
Molecular consequence: missense variant.
Genome position (GRCh38, 1-based): chrX:10,212,558, A>T. VCF-style: chrX-10212558-A-T. GRCh37 (hg19) VCF-style: chrX-10180598-A-T.
Other names: c.1199A>T, p.His400Leu (NM_001256944.2); short protein forms H494L, H400L.
Identifiers: ClinVar variation 1352792 (VCV001352792.6), dbSNP rs2147182681, ClinGen allele CA412040921.
Genomic context (GRCh38, chrX:10,212,558, plus strand): 5'-CTGTGGGCGCGATAGCGGGCAGGATGGTGGGAATTGGCGTGGAGCAGCTGGCCTACCATC[A>T]CCATGACTGGATCATCTTCAGGAACTGGTGCAGACCCGGTGCAGACTGTGTCACGCCAGG-3'
Protein context (NP_001821.2, residues 484-504): GIGVEQLAYH[His494Leu]HDWIIFRNWC